The following is an entry in ClinVar:

NM_018060.4(IARS2):c.1088C>T (p.Thr363Ile)

Gene: IARS2 (isoleucyl-tRNA synthetase 2, mitochondrial; plus strand). Cytogenetic location: 1q41.
Variant type: single nucleotide variant.
Coding change: c.1088C>T on transcript NM_018060.4 (MANE Select); coding-DNA position 1088, C replaced by T.
Protein change: p.Thr363Ile; replaces threonine 363 with isoleucine.
Molecular consequence: missense variant.
Genome position (GRCh38, 1-based): chr1:220,105,912, C>T. VCF-style: chr1-220105912-C-T. GRCh37 (hg19) VCF-style: chr1-220279254-C-T.
Other names: short protein forms T363I.
Identifiers: ClinVar variation 1991150 (VCV001991150.4), dbSNP rs748372193, ClinGen allele CA1401312.
Genomic context (GRCh38, chr1:220,105,912, plus strand): 5'-TATAAAATGATTCTTAATAGTGGTTTTCTTTCCCCACAGGTGTAGATTTGGAAAATGGTA[C>T]TTGCAGTCATCCATTAATTCCTGATAAAGCCTCTCCTCTTTTACCTGCAAATCATGTGAC-3'
Protein context (NP_060530.3, residues 353-373): TLSGVDLENG[Thr363Ile]CSHPLIPDKA

ClinVar aggregate classification (germline): Uncertain significance (1 of 4 stars; one submission).

Allele frequency attached by ClinVar (database versions not stated): ExAC 0.00001; gnomAD exomes 0.00001.
gnomAD v4.1: 4 of 1,613,034 alleles (0.00025%); highest among the groups gnomAD compares: Admixed American, 0.0067%; no homozygotes.

Submission:

Labcorp Genetics (formerly Invitae), Labcorp
Classification: Uncertain significance. Last evaluated: 2026-01-19. Review status: criteria provided, single submitter. Criteria: Invitae Variant Classification Sherloc (09022015). Collection method: clinical testing. Allele origin: germline.
Comment: This sequence change replaces threonine, which is neutral and polar, with isoleucine, which is neutral and non-polar, at codon 363 of the IARS2 protein (p.Thr363Ile). This variant is present in population databases (rs748372193, gnomAD 0.01%). This variant has not been reported in the literature in individuals affected with IARS2-related conditions. ClinVar contains an entry for this variant (Variation ID: 1991150). An algorithm developed to predict the effect of missense changes on protein structure and function (PolyPhen-2) suggests that this variant is likely to be tolerated. In summary, the available evidence is currently insufficient to determine the role of this variant in disease. Therefore, it has been classified as a Variant of Uncertain Significance.